The following is an entry in ClinVar:

NM_005502.4(ABCA1):c.6277G>A (p.Glu2093Lys)

Genes: ABCA1 (ATP binding cassette subfamily A member 1; minus strand), NIPSNAP3B (nipsnap homolog 3B; plus strand). Cytogenetic location: 9q31.1.
Variant type: single nucleotide variant.
Coding change: c.6277G>A on transcript NM_005502.4 (MANE Select); coding-DNA position 6277, G replaced by A.
Protein change: p.Glu2093Lys; replaces glutamic acid 2093 with lysine.
Molecular consequence: missense variant.
Genome position (GRCh38, 1-based): chr9:104,786,904, C>T on the plus strand (G>A on the coding strand, the complement: ABCA1 is on the minus strand). VCF-style: chr9-104786904-C-T. GRCh37 (hg19) VCF-style: chr9-107549185-C-T.
Other names: short protein forms E2093K.
Identifiers: ClinVar variation 4843949 (VCV004843949.1).

ClinVar aggregate classification (germline): Uncertain significance (1 of 4 stars; one submission).

Conditions:
Cardiovascular phenotype. Identifiers: MedGen CN230736.

Submission:

Ambry Genetics
Classification: Uncertain significance for Cardiovascular phenotype. Last evaluated: 2025-12-26. Review status: criteria provided, single submitter. Criteria: Ambry Variant Classification Scheme 2023. Collection method: clinical testing. Allele origin: germline.
Comment: The p.E2093K variant (also known as c.6277G>A), located in coding exon 46 of the ABCA1 gene, results from a G to A substitution at nucleotide position 6277. The glutamic acid at codon 2093 is replaced by lysine, an amino acid with similar properties. This amino acid position is conserved. In addition, the in silico prediction for this alteration is inconclusive. Based on the available evidence, the clinical significance of this variant remains unclear.